The following is an entry in ClinVar:

ClinVar aggregate classification (germline): Uncertain significance. Review status: criteria provided, multiple submitters, no conflicts (2 of 4 stars). 3 submissions from 3 submitters: Uncertain significance (2). 1 of the submissions does not count toward it. Last evaluated 2025-01-24.

Conditions:
Autosomal recessive polycystic kidney disease (ARPKD). Also called: AR polycystic kidney disease. Identifiers: Orphanet 731, Orphanet 8378, MedGen C0085548, MeSH D017044, MONDO:0009889.

Allele frequency attached by ClinVar (database versions not stated): gnomAD exomes below 0.00001; gnomAD 0.00001; TOPMed 0.00002.
gnomAD v4.1: 3 of 1,612,294 alleles (0.00019%); highest among the groups gnomAD compares: Non-Finnish European, 0.00025%; no homozygotes.

Submissions (3):

Women's Health and Genetics/Laboratory Corporation of America, LabCorp
Classification: Uncertain significance. Last evaluated: 2025-01-24. Review status: criteria provided, single submitter. Criteria: LabCorp Variant Classification Summary - May 2015. Collection method: clinical testing. Allele origin: germline.
Comment: Variant summary: PKHD1 c.7292A>T (p.Glu2431Val) results in a non-conservative amino acid change in the encoded protein sequence. Five of five in-silico tools predict a damaging effect of the variant on protein function. The variant allele was found at a frequency of 4e-06 in 251210 control chromosomes (gnomAD). The available data on variant occurrences in the general population are insufficient to allow any conclusion about variant significance. c.7292A>T has been reported in the literature in individuals affected with Polycystic Kidney And Hepatic Disease (Gunay-Aygun_2009, Tong_2016). These reports do not provide unequivocal conclusions about association of the variant with Polycystic Kidney And Hepatic Disease. To our knowledge, no experimental evidence demonstrating an impact on protein function has been reported. The following publications have been ascertained in the context of this evaluation (PMID: 19914852, 27752906). ClinVar contains an entry for this variant (Variation ID: 959316). Based on the evidence outlined above, the variant was classified as uncertain significance.

Labcorp Genetics (formerly Invitae), Labcorp
Classification: Uncertain significance for Autosomal recessive polycystic kidney disease. Last evaluated: 2021-08-30. Review status: criteria provided, single submitter. Criteria: Invitae Variant Classification Sherloc (09022015). Collection method: clinical testing. Allele origin: germline.
Comment: This sequence change replaces glutamic acid with valine at codon 2431 of the PKHD1 protein (p.Glu2431Val). The glutamic acid residue is highly conserved and there is a moderate physicochemical difference between glutamic acid and valine. This variant is not present in population databases (ExAC no frequency). This missense change has been observed in individual(s) with PKHD1-related conditions (PMID: 19914852, 27752906). Algorithms developed to predict the effect of missense changes on protein structure and function are either unavailable or do not agree on the potential impact of this missense change (SIFT: "Deleterious"; PolyPhen-2: "Probably Damaging"; Align-GVGD: "Class C0"). Algorithms developed to predict the effect of sequence changes on RNA splicing suggest that this variant may create or strengthen a splice site. In summary, the available evidence is currently insufficient to determine the role of this variant in disease. Therefore, it has been classified as a Variant of Uncertain Significance.

Natera, Inc.
Classification: Uncertain significance for Autosomal recessive polycystic kidney disease. Last evaluated: 2018-05-24. Review status: no assertion criteria provided. Collection method: clinical testing. Allele origin: germline. Not counted in ClinVar's aggregate classification.

Literature cited by the submitters: PubMed 27752906 (cited by Women's Health and Genetics/Laboratory Corporation of America, LabCorp and Labcorp Genetics (formerly Invitae), Labcorp); PubMed 19914852 (cited by Women's Health and Genetics/Laboratory Corporation of America, LabCorp and Labcorp Genetics (formerly Invitae), Labcorp).

NM_138694.4(PKHD1):c.7292A>T (p.Glu2431Val)

Gene: PKHD1 (PKHD1 ciliary IPT domain containing fibrocystin/polyductin; minus strand). Cytogenetic location: 6p12.2.
Variant type: single nucleotide variant.
Coding change: c.7292A>T on transcript NM_138694.4 (MANE Select); coding-DNA position 7292, A replaced by T.
Protein change: p.Glu2431Val; replaces glutamic acid 2431 with valine.
Molecular consequence: missense variant.
Genome position (GRCh38, 1-based): chr6:51,883,151, T>A on the plus strand (A>T on the coding strand, the complement: PKHD1 is on the minus strand). VCF-style: chr6-51883151-T-A. GRCh37 (hg19) VCF-style: chr6-51747949-T-A.
Other names: c.7292A>T, p.Glu2431Val (NM_170724.3); short protein forms E2431V.
Identifiers: ClinVar variation 959316 (VCV000959316.11), dbSNP rs1280884139, ClinGen allele CA364422077.